The following is an entry in ClinVar:

ClinVar aggregate classification (germline): Uncertain significance (1 of 4 stars; one submission).

Conditions:
Dilated cardiomyopathy 1G (CMD1G). Identifiers: Orphanet 154, MedGen C1858763, MONDO:0011400, OMIM 604145.
Autosomal recessive limb-girdle muscular dystrophy type 2J (LGMDR10). Also called: MUSCULAR DYSTROPHY, LIMB-GIRDLE, AUTOSOMAL RECESSIVE 10; Limb-girdle muscular dystrophy, type 2J. Identifiers: Orphanet 140922, MedGen C1837342, MONDO:0012127, OMIM 608807.

Submission:

Labcorp Genetics (formerly Invitae), Labcorp
Classification: Uncertain significance for Dilated cardiomyopathy 1G; Autosomal recessive limb-girdle muscular dystrophy type 2J. Last evaluated: 2022-10-20. Review status: criteria provided, single submitter. Criteria: Invitae Variant Classification Sherloc (09022015). Collection method: clinical testing. Allele origin: germline.
Comment: This variant results in a copy number gain of the genomic region encompassing exon(s) 244-246 of the TTN gene. While the exact position of this variant cannot be determined from the data, sub-genic copy number gains are generally in tandem (PMID: 25640679). This variant is predicted to be out-of-frame. While this is not anticipated to result in nonsense mediated decay, it is expected to create a truncated TTN protein This variant has not been reported in the literature in individuals affected with TTN-related conditions. This variant is located in the I band of TTN (PMID: 25589632). Truncating variants in this region have been shown to be highly prevalent in the general population and unaffected individuals (PMID: 26701604, 22335739). However, truncating variants in this region have also been reported in individuals affected with autosomal recessive centronuclear myopathy (PMID: 23975875). In summary, the available evidence is currently insufficient to determine the role of this variant in disease. Therefore, it has been classified as a Variant of Uncertain Significance.

Literature cited by the submitters: PubMed 25640679; PubMed 25589632; PubMed 26701604; PubMed 22335739; PubMed 23975875.

NC_000002.11:g.(?_179485829)_(179486735_?)dup

Gene: TTN (titin; minus strand). Cytogenetic location: 2q31.2.
Variant type: Duplication.
Identifiers: ClinVar variation 2424055 (VCV002424055.5).